The following is an entry in ClinVar:

ClinVar aggregate classification (germline): Uncertain significance (1 of 4 stars; one submission).

Conditions:
Immunodeficiency 132A. Also called: Herpes simplex encephalitis, susceptibility to, 3. Identifiers: Orphanet 1930, MedGen C3553868, MONDO:0013920, OMIM 614849.

Allele frequency attached by ClinVar (database versions not stated): gnomAD exomes below 0.00001; TOPMed below 0.00001.
gnomAD v4.1: 1 of 1,612,970 alleles (0.000062%); highest among the groups gnomAD compares: Non-Finnish European, 0.000085%; no homozygotes.

Submission:

Labcorp Genetics (formerly Invitae), Labcorp
Classification: Uncertain significance for Immunodeficiency 132A. Last evaluated: 2020-03-22. Review status: criteria provided, single submitter. Criteria: Invitae Variant Classification Sherloc (09022015). Collection method: clinical testing. Allele origin: germline.
Comment: In summary, the available evidence is currently insufficient to determine the role of this variant in disease. Therefore, it has been classified as a Variant of Uncertain Significance. Algorithms developed to predict the effect of missense changes on protein structure and function (SIFT, PolyPhen-2, Align-GVGD) all suggest that this variant is likely to be tolerated, but these predictions have not been confirmed by published functional studies and their clinical significance is uncertain. This variant has not been reported in the literature in individuals with TRAF3-related conditions. This variant is not present in population databases (ExAC no frequency). This sequence change replaces glutamic acid with lysine at codon 193 of the TRAF3 protein (p.Glu193Lys). The glutamic acid residue is highly conserved and there is a small physicochemical difference between glutamic acid and lysine.

NM_145725.3(TRAF3):c.577G>A (p.Glu193Lys)

Genes: TRAF3 (TNF receptor associated factor 3; plus strand), LOC126862065 (BRD4-independent group 4 enhancer GRCh37_chr14:103352003-103353202; plus strand). Cytogenetic location: 14q32.32.
Variant type: single nucleotide variant.
Coding change: c.577G>A on transcript NM_145725.3 (MANE Select); coding-DNA position 577, G replaced by A.
Protein change: p.Glu193Lys; replaces glutamic acid 193 with lysine.
Molecular consequence: missense variant. On other transcripts: intron variant (2).
Genome position (GRCh38, 1-based): chr14:102,886,195, G>A. VCF-style: chr14-102886195-G-A. GRCh37 (hg19) VCF-style: chr14-103352532-G-A.
Other names: c.577G>A, p.Glu193Lys (NM_001385142.1, NM_003300.4, NM_145726.3); c.571-3365G>A (NM_001385143.1); c.570+9670G>A (NM_001199427.2); short protein forms E193K.
Identifiers: ClinVar variation 1036198 (VCV001036198.9), dbSNP rs1889372562, ClinGen allele CA391071494.